The following is an entry in ClinVar:

ClinVar aggregate classification (germline): Uncertain significance (1 of 4 stars; one submission).

Conditions:
Primary ciliary dyskinesia. Also called: Ciliary dyskinesia. Identifiers: Orphanet 244, MedGen C0008780, MONDO:0016575, HP:0012265.

Submission:

Labcorp Genetics (formerly Invitae), Labcorp
Classification: Uncertain significance for Primary ciliary dyskinesia. Last evaluated: 2024-06-30. Review status: criteria provided, single submitter. Criteria: Invitae Variant Classification Sherloc (09022015). Collection method: clinical testing. Allele origin: germline.
Comment: This sequence change replaces alanine, which is neutral and non-polar, with serine, which is neutral and polar, at codon 3136 of the DNAH11 protein (p.Ala3136Ser). This variant is not present in population databases (gnomAD no frequency). This variant has not been reported in the literature in individuals affected with DNAH11-related conditions. ClinVar contains an entry for this variant (Variation ID: 1402028). Advanced modeling of protein sequence and biophysical properties (such as structural, functional, and spatial information, amino acid conservation, physicochemical variation, residue mobility, and thermodynamic stability) performed at Invitae indicates that this missense variant is not expected to disrupt DNAH11 protein function with a negative predictive value of 95%. In summary, the available evidence is currently insufficient to determine the role of this variant in disease. Therefore, it has been classified as a Variant of Uncertain Significance.

NM_001277115.2(DNAH11):c.9406G>T (p.Ala3136Ser)

Gene: DNAH11 (dynein axonemal heavy chain 11; plus strand). Cytogenetic location: 7p15.3.
Variant type: single nucleotide variant.
Coding change: c.9406G>T on transcript NM_001277115.2 (MANE Select); coding-DNA position 9406, G replaced by T.
Protein change: p.Ala3136Ser; replaces alanine 3136 with serine.
Molecular consequence: missense variant.
Genome position (GRCh38, 1-based): chr7:21,779,027, G>T. VCF-style: chr7-21779027-G-T. GRCh37 (hg19) VCF-style: chr7-21818645-G-T.
Other names: short protein forms A3136S.
Identifiers: ClinVar variation 1402028 (VCV001402028.8), dbSNP rs2127982511, ClinGen allele CA366937706.